The following is an entry in ClinVar:

ClinVar aggregate classification (germline): Pathogenic (1 of 4 stars; one submission).

Conditions:
Nemaline myopathy 2 (NEM2). Also called: Nemaline myopathy 2, autosomal recessive. Identifiers: MedGen C1850569, MONDO:0009725, OMIM 256030.

Submission:

Myriad Genetics, Inc.
Classification: Pathogenic for Nemaline myopathy 2. Last evaluated: 2024-09-03. Review status: criteria provided, single submitter. Criteria: Myriad Autosomal Dominant, Autosomal Recessive and X-Linked Classification Criteria (2023). Collection method: clinical testing. Allele origin: unknown.
Comment: NM_001271208.1(NEB):c.7063delA(T2355Lfs*65) is expected to be pathogenic in the context of NEB-related nemaline myopathy. This variant is predicted to lead to an abnormal or absent protein product due to the creation of a premature termination codon in NEB, a gene where loss-of-function variants are known to be pathogenic. Please note: this variant was assessed in the context of healthy population screening.

NM_001164508.2(NEB):c.7063del (p.Thr2355fs)

Gene: NEB (nebulin; minus strand). Cytogenetic location: 2q23.3.
Variant type: Deletion.
Coding change: c.7063del on transcript NM_001164508.2 (MANE Select); coding-DNA position 7063, one base deleted (A; older notation c.7063delA).
Protein change: p.Thr2355fs; shifts the reading frame from threonine 2355.
Molecular consequence: frameshift variant.
Genome position (GRCh38, 1-based): chr2:151,650,738, T deleted on the plus strand (A on the coding strand, the reverse complement: NEB is on the minus strand); the first of 4 consecutive T bases (chr2:151,650,738-151,650,741); deleting any one gives the same sequence. VCF-style (leftmost placement, unchanged base first): chr2-151650737-GT-G. GRCh37 (hg19) VCF-style: chr2-152507251-GT-G.
Other names: c.7063del, p.Thr2355fs (NM_001164507.2, NM_001271208.2, NM_004543.5); short protein forms T2355fs.
Identifiers: ClinVar variation 5013521 (VCV005013521.1).